The following is an entry in ClinVar:

ClinVar aggregate classification (germline): Likely pathogenic (1 of 4 stars; one submission).

Submission:

Quest Diagnostics Nichols Institute San Juan Capistrano
Classification: Likely pathogenic. Last evaluated: 2023-04-19. Review status: criteria provided, single submitter. Criteria: Quest Diagnostics criteria. Collection method: clinical testing. Allele origin: unknown.
Comment: This nonsense variant is predicted to cause the premature termination of VWF protein synthesis. The variant has not been reported in individuals with VWF-related diseases in the published literature. It also has not been reported in large, multi-ethnic general populations. Based on the available information, this variant is classified as likely pathogenic.

NM_000552.5(VWF):c.7159C>T (p.Gln2387Ter)

Gene: VWF (von Willebrand factor; minus strand). Cytogenetic location: 12p13.31.
Variant type: single nucleotide variant.
Coding change: c.7159C>T on transcript NM_000552.5 (MANE Select); coding-DNA position 7159, C replaced by T.
Protein change: p.Gln2387Ter; replaces glutamine 2387 with a stop codon.
Molecular consequence: nonsense.
Genome position (GRCh38, 1-based): chr12:5,981,914, G>A on the plus strand (C>T on the coding strand, the complement: VWF is on the minus strand). VCF-style: chr12-5981914-G-A. GRCh37 (hg19) VCF-style: chr12-6091080-G-A.
Other names: short protein forms Q2387*.
Identifiers: ClinVar variation 2682126 (VCV002682126.1), dbSNP rs2497421036, ClinGen allele CA383491148.
Genomic context (GRCh38, chr12:5,981,914, plus strand): 5'-GGGGACAGCTCACTGTGGAGTTGACACAGTTGCAGGCACACTCATACTCATCACAGCACT[G>A]GGTCTTCCGAAGGGTGGGCAAACGGTGCGGGGGGCAGGAGGGTGGGGACACTCTTTTGCA-3'